The following is an entry in ClinVar:

ClinVar aggregate classification (germline): Uncertain significance (1 of 4 stars; one submission).

Submission:

Labcorp Genetics (formerly Invitae), Labcorp
Classification: Uncertain significance. Last evaluated: 2025-09-22. Review status: criteria provided, single submitter. Criteria: Invitae Variant Classification Sherloc (09022015). Collection method: clinical testing. Allele origin: germline.
Comment: This sequence change creates a premature translational stop signal (p.Asp1532Glufs*10) in the ANKRD26 gene. It is expected to result in an absent or disrupted protein product. However, the current clinical and genetic evidence is not sufficient to establish whether loss-of-function variants in ANKRD26 cause disease. This variant is not present in population databases (gnomAD no frequency). This variant has not been reported in the literature in individuals affected with ANKRD26-related conditions. In summary, the available evidence is currently insufficient to determine the role of this variant in disease. Therefore, it has been classified as a Variant of Uncertain Significance.

NM_014915.3(ANKRD26):c.4594_4595dup (p.Asp1532fs)

Gene: ANKRD26 (ankyrin repeat domain 26; minus strand). Cytogenetic location: 10p12.1.
Variant type: Duplication.
Coding change: c.4594_4595dup on transcript NM_014915.3 (MANE Select); coding-DNA positions 4594 to 4595, 2 bases duplicated (GA; older notation c.4594_4595dupGA).
Protein change: p.Asp1532fs; shifts the reading frame from aspartic acid 1532.
Molecular consequence: frameshift variant.
Genome position (GRCh38, 1-based): chr10:27,014,623-27,014,624, TC duplicated on the plus strand (GA on the coding strand, the reverse complement: ANKRD26 is on the minus strand); duplicating any 2 consecutive bases within chr10:27,014,623-27,014,625 gives the same sequence; the c. name uses the placement nearest the transcript's 3' end. VCF-style (leftmost placement, unchanged base first): chr10-27014622-A-ATC. GRCh37 (hg19) VCF-style: chr10-27303551-A-ATC.
Other names: c.4591_4592dup, p.Asp1531fs (NM_001256053.2); short protein forms D1531fs, D1532fs.
Identifiers: ClinVar variation 4693359 (VCV004693359.1).